The following is an entry in ClinVar:

ClinVar aggregate classification (germline): Uncertain significance (1 of 4 stars; one submission).

Conditions:
SPG11-related disorder. Also called: SPG11-related condition.

Submission:

PreventionGenetics, part of Exact Sciences
Classification: Uncertain significance for SPG11-related condition. Last evaluated: 2025-02-13. Review status: criteria provided, single submitter. Criteria: ACMG Guidelines, 2015. Collection method: clinical testing. Allele origin: germline.
Comment: The SPG11 c.2408A>G variant is predicted to result in the amino acid substitution p.His803Arg. To our knowledge, this variant has not been reported in the literature or in a large population database (gnomAD), indicating this variant is rare. At this time, the clinical significance of this variant is uncertain due to the absence of conclusive functional and genetic evidence.

NM_025137.4(SPG11):c.2408A>G (p.His803Arg)

Gene: SPG11 (SPG11 vesicle trafficking associated, spatacsin; minus strand). Cytogenetic location: 15q21.1.
Variant type: single nucleotide variant.
Coding change: c.2408A>G on transcript NM_025137.4 (MANE Select); coding-DNA position 2408, A replaced by G.
Protein change: p.His803Arg; replaces histidine 803 with arginine.
Molecular consequence: missense variant.
Genome position (GRCh38, 1-based): chr15:44,622,256, T>C on the plus strand (A>G on the coding strand, the complement: SPG11 is on the minus strand). VCF-style: chr15-44622256-T-C. GRCh37 (hg19) VCF-style: chr15-44914454-T-C.
Other names: c.2408A>G, p.His803Arg (NM_001160227.2, NM_001411132.1); short protein forms H803R.
Identifiers: ClinVar variation 5001574 (VCV005001574.1).
Genomic context (GRCh38, chr15:44,622,256, plus strand): 5'-TCAAAAGAGGACTAATGAGACTACCTGGGAAATGACTGGATTTGCATATTTTCTTGGAAA[T>C]GTCCCAAATAAAGCTTCTCAACTTGATGCACGAAGTCTATAGTTCTTTTCTCTTTTTCAG-3'
Protein context (NP_079413.3, residues 793-813): VHQVEKLYLG[His803Arg]FQENMQIQSF